The following is an entry in ClinVar:

NM_001283009.2(RTEL1):c.2722A>G (p.Ser908Gly)

Genes: RTEL1 (regulator of telomere elongation helicase 1; plus strand), RTEL1-TNFRSF6B (RTEL1-TNFRSF6B readthrough (NMD candidate); plus strand). Cytogenetic location: 20q13.33.
Variant type: single nucleotide variant.
Coding change: c.2722A>G on transcript NM_001283009.2 (MANE Select); coding-DNA position 2722, A replaced by G.
Protein change: p.Ser908Gly; replaces serine 908 with glycine.
Molecular consequence: missense variant. On other transcripts: non-coding transcript variant (1).
Genome position (GRCh38, 1-based): chr20:63,692,874, A>G. VCF-style: chr20-63692874-A-G. GRCh37 (hg19) VCF-style: chr20-62324227-A-G.
Other names: c.2053A>G, p.Ser685Gly (NM_001283010.1); c.2722A>G, p.Ser908Gly (NM_016434.4); c.2794A>G, p.Ser932Gly (NM_032957.5); short protein forms S685G, S908G, S932G.
Identifiers: ClinVar variation 998468 (VCV000998468.14), dbSNP rs2090787000, ClinGen allele CA409682909.

ClinVar aggregate classification (germline): Uncertain significance (1 of 4 stars; one submission).

Conditions:
Dyskeratosis congenita, autosomal recessive 5 (DKCB5). Identifiers: MedGen C3554656, MONDO:0014076, OMIM 615190.
Pulmonary fibrosis and/or bone marrow failure, Telomere-related, 3. Also called: PULMONARY FIBROSIS AND/OR BONE MARROW FAILURE SYNDROME, TELOMERE-RELATED, 3. Identifiers: Orphanet 2032, MedGen C4225346, MONDO:0014613, OMIM 616373.

Submission:

Labcorp Genetics (formerly Invitae), Labcorp
Classification: Uncertain significance for Dyskeratosis congenita, autosomal recessive 5; Pulmonary fibrosis and/or bone marrow failure, Telomere-related, 3. Last evaluated: 2022-02-08. Review status: criteria provided, single submitter. Criteria: Invitae Variant Classification Sherloc (09022015). Collection method: clinical testing. Allele origin: germline.
Comment: In summary, the available evidence is currently insufficient to determine the role of this variant in disease. Therefore, it has been classified as a Variant of Uncertain Significance. This sequence change replaces serine, which is neutral and polar, with glycine, which is neutral and non-polar, at codon 908 of the RTEL1 protein (p.Ser908Gly). This variant is not present in population databases (gnomAD no frequency). This variant has not been reported in the literature in individuals affected with RTEL1-related conditions. ClinVar contains an entry for this variant (Variation ID: 998468). Algorithms developed to predict the effect of missense changes on protein structure and function are either unavailable or do not agree on the potential impact of this missense change (SIFT: "Deleterious"; PolyPhen-2: "Probably Damaging"; Align-GVGD: "Class C0").